The following is an entry in ClinVar:

ClinVar aggregate classification (germline): Pathogenic. Review status: reviewed by expert panel (3 of 4 stars). 36 submissions from 36 submitters: Pathogenic (1). 35 of the submissions do not count toward it. Last evaluated 2016-04-22.

Conditions:
Hereditary breast ovarian cancer syndrome. Also called: Hereditary breast and ovarian cancer; Breast and ovarian cancer; Hereditary breast and/or ovarian cancer syndrome; BRCA1- and BRCA2-Associated Hereditary Breast and Ovarian Cancer; Hereditary breast and ovarian cancer syndrome; Hereditary breast and ovarian cancer syndrome (HBOC). Identifiers: Orphanet 145, MedGen C0677776, MeSH D061325, MONDO:0003582. Disease mechanism: loss of function.
Fanconi anemia complementation group D1. Also called: BRCA2-Related Fanconi Anemia. Identifiers: Orphanet 319462, MedGen C1838457, MONDO:0011584, OMIM 605724.
Inherited breast cancer and ovarian cancer.
BRCA2-related cancer predisposition. Identifiers: MedGen CN377758, MONDO:0700269.
BRCA2-related disorder. Also called: BRCA2-related condition; BRCA2-related disorders. Identifiers: MedGen CN239275.
Gastric cancer. Also called: Stomach cancer; Malignant tumor of stomach. Identifiers: MedGen C0024623, MeSH D013274, MONDO:0001056, OMIM 613659, HP:0012126.
Hereditary cancer-predisposing syndrome. Also called: Neoplastic Syndromes, Hereditary; Tumor predisposition; Hereditary Cancer Syndrome; Hereditary neoplastic syndrome. Identifiers: Orphanet 140162, MedGen C0027672, MeSH D009386, MONDO:0015356.
Breast-ovarian cancer, familial, susceptibility to, 2 (BROVCA2). Also called: BRCA2 Hereditary Breast and Ovarian Cancer. Identifiers: Orphanet 145, MedGen C2675520, MONDO:0012933, OMIM 612555. Disease mechanism: loss of function.
Familial cancer of breast. Also called: Hereditary breast cancer; hereditary breast carcinoma; BREAST CANCER, FAMILIAL. Identifiers: Orphanet 227535, MedGen C0346153, MONDO:0016419, OMIM 114480. Disease mechanism: loss of function.

Submissions 1 to 8 of 36:

Evidence-based Network for the Interpretation of Germline Mutant Alleles (ENIGMA)
Classification: Pathogenic for Breast-ovarian cancer, familial, susceptibility to, 2. Last evaluated: 2016-04-22. Review status: reviewed by expert panel. Criteria: ENIGMA BRCA1/2 Classification Criteria (2015). Collection method: curation. Allele origin: germline.
Comment: Variant allele predicted to encode a truncated non-functional protein.

Cambridge Genomics Laboratory, East Genomic Laboratory Hub, NHS Genomic Medicine Service
Classification: Pathogenic for Inherited breast cancer and ovarian cancer. Last evaluated: 2026-10-23. Review status: criteria provided, single submitter. Criteria: ACGS Best Practice Guidelines for Variant Classification in Rare Disease 2020. Collection method: clinical testing. Allele origin: germline. Affected: yes. Not counted in ClinVar's aggregate classification.
Comment: PVS1,PS4_Very Strong,PM5_Strong

Institute of Human Genetics, University of Leipzig Medical Center
Classification: Pathogenic for Breast-ovarian cancer, familial, susceptibility to, 2. Last evaluated: 2026-05-11. Review status: criteria provided, single submitter. Criteria: ACMG Guidelines, 2015. Collection method: clinical testing. Allele origin: unknown. Inheritance: Autosomal dominant inheritance. Affected: yes. Not counted in ClinVar's aggregate classification.
Comment: Criteria applied: PVS1,PM5_STR,PP4_STR

Center for Genomic Medicine, Rigshospitalet, Copenhagen University Hospital
Classification: Pathogenic. Last evaluated: 2025-12-29. Review status: criteria provided, single submitter. Criteria: ACMG Guidelines, 2015. Collection method: clinical testing. Allele origin: germline. Not counted in ClinVar's aggregate classification.

Labcorp Genetics (formerly Invitae), Labcorp
Classification: Pathogenic for Hereditary breast ovarian cancer syndrome. Last evaluated: 2025-12-15. Review status: criteria provided, single submitter. Criteria: Invitae Variant Classification Sherloc (09022015). Collection method: clinical testing. Allele origin: germline. Not counted in ClinVar's aggregate classification.
Comment: This sequence change creates a premature translational stop signal (p.Ile605Tyrfs*9) in the BRCA2 gene. It is expected to result in an absent or disrupted protein product. Loss-of-function variants in BRCA2 are known to be pathogenic (PMID: 20104584). The frequency data for this variant in the population databases is considered unreliable, as metrics indicate poor data quality at this position in the gnomAD database. This premature translational stop signal has been observed in individual(s) with breast and/or ovarian cancer and prostate cancer (PMID: 11389159, 18824701, 19016756, 20104584, 23035815, 23704984, 24549055). This variant is also known as 2041delA. ClinVar contains an entry for this variant (Variation ID: 37763). RNA analysis performed to evaluate the impact of this premature translational stop signal on mRNA splicing indicates it does not significantly alter splicing (internal data). For these reasons, this variant has been classified as Pathogenic.

PreventionGenetics, part of Exact Sciences
Classification: Pathogenic for BRCA2-related condition. Last evaluated: 2025-09-16. Review status: criteria provided, single submitter. Criteria: ACMG Guidelines, 2015. Collection method: clinical testing. Allele origin: germline. Not counted in ClinVar's aggregate classification.
Comment: The BRCA2 c.1813delA variant is predicted to result in a frameshift and premature protein termination (p.Ile605Tyrfs*9). This variant is alternatively referred to as 2041del in the literature. It has been reported in multiple individuals with breast and/or ovarian cancer (Hirasawa et al. 2017. PubMed ID: 29348823; Kansuttiviwat et al. 2024. PubMed ID: 38355628) and in at least one individual with prostate cancer (Willems-Jones et al. 2012. PubMed ID: 23035815). This variant is reported in 0.011% of alleles in individuals of South Asian descent in gnomAD. It is interpreted as pathogenic by the Evidence-based Network for the Interpretation of Germline Mutant Alleles (ENIGMA) in ClinVar (ClinVarID: 37763). Frameshift variants in BRCA2 are expected to be pathogenic. This variant is interpreted as pathogenic.

Color Diagnostics, LLC DBA Color Health
Classification: Pathogenic for Hereditary cancer-predisposing syndrome. Last evaluated: 2025-02-24. Review status: criteria provided, single submitter. Criteria: ACMG Guidelines, 2015. Collection method: clinical testing. Allele origin: germline. Not counted in ClinVar's aggregate classification.
Comment: This variant deletes 1 nucleotide in exon 10 of the BRCA2 gene, creating a frameshift and premature translation stop signal. This variant is expected to result in an absent or non-functional protein product. This variant has been reported in at least 30 individuals affected with breast and/or ovarian cancer (PMID: 11389159, 12203997, 16912212, 17851763, 18824701, 20104584, 23704984, 26026974, 27153395, 28294317, 29348823, 30287823, 32438681) that includes in a breast cancer case-control study where this variant was detected in 18/7051 female cases and 1/11241 unaffected controls (OR=28.7, 95% CI 4.5 to 1190.4) (PMID: 30287823). A multifactorial analysis has reported a likelihood ratio for pathogenicity based on personal and family history of 21.85 from log(LR)=1.339450717 for 10 carriers (PMID: 31853058). This variant also has been detected in at least five individuals affected with prostate cancer (PMID: 23035815, 31214711). This variant has been identified in 8/232106 chromosomes in the general population by the Genome Aggregation Database (gnomAD). Loss of BRCA2 function is a known mechanism of disease. Based on the available evidence, this variant is classified as Pathogenic.

Ambry Genetics
Classification: Pathogenic for Hereditary cancer-predisposing syndrome. Last evaluated: 2024-09-18. Review status: criteria provided, single submitter. Criteria: Ambry Variant Classification Scheme 2023. Collection method: clinical testing. Allele origin: germline. Not counted in ClinVar's aggregate classification.
Comment: The c.1813delA pathogenic mutation, located in coding exon 9 of the BRCA2 gene, results from a deletion of one nucleotide at nucleotide position 1813, causing a translational frameshift with a predicted alternate stop codon (p.I605Yfs*9). This mutation has been identified in multiple individuals with familial and/or early onset breast cancer (Bergthorsson JT et al. J. Med. Genet. 2001 Jun;38:361-8; Patmasiriwat P et al. Hum. Mutat. 2002 Sep;20:230; Sugano K et al. Cancer Sci. 2008 Oct;99:1967-76; Borg A et al. Hum. Mutat. 2010 Mar;31:E1200-40; Li WF et al. Breast Cancer Res. Treat. 2008 Jul;110:99-109; Azzollini J et al. Eur. J. Intern. Med. 2016 Jul;32:65-71; Hirasawa A et al. Oncotarget. 2017 Dec;8:112258-112267). Additionally, this mutation was observed in multiple men diagnosed with prostate cancer (Willems-Jones A et al. BJU Int. 2012 Dec;110(11 Pt C):E1181-6; de Juan I et al. Fam. Cancer. 2015 Dec;14(4):505-13; Nguyen-Dumont T et al. Int J Cancer, 2020 10;147:2142-2149). Of note, this alteration is also designated as 2041delA in published literature. In addition to the clinical data presented in the literature, this alteration is expected to result in loss of function by premature protein truncation or nonsense-mediated mRNA decay. As such, this alteration is interpreted as a disease-causing mutation.

NM_000059.4(BRCA2):c.1813del (p.Ile605fs)

Gene: BRCA2 (BRCA2 DNA repair associated; plus strand). Cytogenetic location: 13q13.1.
Variant type: Deletion.
Coding change: c.1813del on transcript NM_000059.4 (MANE Select); coding-DNA position 1813, one base deleted (A; older notation c.1813delA).
Protein change: p.Ile605fs; shifts the reading frame from isoleucine 605.
Molecular consequence: frameshift variant.
Genome position (GRCh38, 1-based): chr13:32,333,291, A deleted; the last of 8 consecutive A bases (chr13:32,333,284-32,333,291); deleting any one gives the same sequence. VCF-style (leftmost placement, unchanged base first): chr13-32333283-GA-G. GRCh37 (hg19) VCF-style: chr13-32907420-GA-G.
Other names: 2034delA; 2041_2042delA; 2041delA; c.1813delA (NM_000059.3).
Identifiers: ClinVar variation 37763 (VCV000037763.96), dbSNP rs80359306, ClinGen allele CA013362.
Genomic context (GRCh38, chr13:32,333,283, plus strand): 5'-CTTTGAAAAAGAAAACAAATAAGTTTATTTATGCTATACATGATGAAACATCTTATAAAG[GA>G]AAAAAAATACCGAAAGACCAAAAATCAGAACTAATTAACTGTTCAGCCCAGTTTGAAGCA-3'